The following is an entry in ClinVar:

NM_006642.5(SDCCAG8):c.1186G>A (p.Glu396Lys)

Gene: SDCCAG8 (SHH signaling and ciliogenesis regulator SDCCAG8; plus strand). Cytogenetic location: 1q43.
Variant type: single nucleotide variant.
Coding change: c.1186G>A on transcript NM_006642.5 (MANE Select); coding-DNA position 1186, G replaced by A.
Protein change: p.Glu396Lys; replaces glutamic acid 396 with lysine.
Molecular consequence: missense variant.
Genome position (GRCh38, 1-based): chr1:243,330,657, G>A. VCF-style: chr1-243330657-G-A. GRCh37 (hg19) VCF-style: chr1-243493959-G-A.
Other names: c.283G>A, p.Glu95Lys (NM_001350246.2, NM_001350247.2, NM_001350251.2); c.1282G>A, p.Glu428Lys (NM_001350248.2); c.892G>A, p.Glu298Lys (NM_001350249.2); short protein forms E396K, E95K, E428K, E298K.
Identifiers: ClinVar variation 2165810 (VCV002165810.4), dbSNP rs1428852073, ClinGen allele CA345482730.

ClinVar aggregate classification (germline): Uncertain significance (1 of 4 stars; one submission).

Conditions:
Senior-Loken syndrome 7 (SLSN7). Identifiers: Orphanet 3156, MedGen C3150877, MONDO:0013326, OMIM 613615.
Bardet-Biedl syndrome 16 (BBS16). Identifiers: Orphanet 110, MedGen C3889474, MONDO:0014444, OMIM 615993.

Submission:

Labcorp Genetics (formerly Invitae), Labcorp
Classification: Uncertain significance for Bardet-Biedl syndrome 16; Senior-Loken syndrome 7. Last evaluated: 2021-12-28. Review status: criteria provided, single submitter. Criteria: Invitae Variant Classification Sherloc (09022015). Collection method: clinical testing. Allele origin: germline.
Comment: This sequence change replaces glutamic acid, which is acidic and polar, with lysine, which is basic and polar, at codon 396 of the SDCCAG8 protein (p.Glu396Lys). This variant is not present in population databases (gnomAD no frequency). This variant has not been reported in the literature in individuals affected with SDCCAG8-related conditions. Algorithms developed to predict the effect of missense changes on protein structure and function are either unavailable or do not agree on the potential impact of this missense change (SIFT: "Tolerated"; PolyPhen-2: "Possibly Damaging"; Align-GVGD: "Class C0"). In summary, the available evidence is currently insufficient to determine the role of this variant in disease. Therefore, it has been classified as a Variant of Uncertain Significance.